The following continues an entry in ClinVar:

NM_213599.3(ANO5):c.191dup (p.Asn64fs)

Gene: ANO5. ClinVar aggregate classification (germline): Pathogenic. Pathogenic (1).

Submissions 26 to 44 of 44:

NeuroMeGen, Hospital Clinico Santiago de Compostela
Classification: Likely pathogenic for Autosomal recessive limb-girdle muscular dystrophy type 2L. Last evaluated: 2018-10-08. Review status: criteria provided, single submitter. Criteria: ACMG Guidelines, 2015. Collection method: clinical testing. Allele origin: unknown. Affected: yes. Observed: 1 compound heterozygote. Not counted in ClinVar's aggregate classification.

Illumina Laboratory Services, Illumina
Classification: Pathogenic for ANO5-Related Disorders. Last evaluated: 2018-08-29. Review status: criteria provided, single submitter. Criteria: ICSL Variant Classification Criteria 09 May 2019. Collection method: clinical testing. Allele origin: germline. Not counted in ClinVar's aggregate classification.
Comment: The ANO5 c.191dupA (p.Asn64LysfsTer15) variant results in a frameshift and is predicted to result in premature termination of the protein. Across a selection of the available literature, the p.Asn64LysfsTer15 variant has been identified in at least 78 individuals with limb-girdle muscular dystrophy including 36 homozygotes and 42 compound heterozygotes; in two individuals with hyperCKemia in a compound heterozygous state; two individuals with myopathy, one in a homozygous state and one in a compound heterozygous state; three siblings with Miyoshi myopathy in a homozygous state; and eight individuals in a heterozygous state (Bolduc et al. 2010; Hicks et al. 2011; Deschauer et al. 2011; PenttilÃ¤et al. 2012; Magri et al. 2012; Sarkozy et al, 2013; Van der Kooi et al. 2013). The p.Asn64LysfsTer15 variant is reported as being one of the most common ANO5 pathogenic variants found in Northern European populations (Hicks et al., 2011). The p.Asn64LysfsTer15 variant has been reported in three of at least 500 control subjects and is reported at a frequency of 0.002186 in the population of the Exome Sequencing Project. Based on the potential impact of frameshift variants and collective evidence from the literature, the p.Asn64LysfsTer15 variant is classified as pathogenic for ANO5-Related Disorders. This variant was observed by ICSL as part of a predisposition screen in an ostensibly healthy population.

Athena Diagnostics
Classification: Pathogenic. Last evaluated: 2017-07-12. Review status: criteria provided, single submitter. Criteria: Athena Diagnostics Criteria. Collection method: clinical testing. Allele origin: germline. Not counted in ClinVar's aggregate classification.

Broad Center for Mendelian Genomics, Broad Institute of MIT and Harvard
Classification: Pathogenic for Autosomal recessive limb-girdle muscular dystrophy type 2L. Last evaluated: 2017-06-26. Review status: criteria provided, single submitter. Criteria: ACMG Guidelines, 2015. Collection method: research. Allele origin: germline. Inheritance: Autosomal recessive inheritance. Affected: yes. Observed: 1 variant allele. Study: Broad Institute Center for Mendelian Genomics (CMG). Not counted in ClinVar's aggregate classification.
Comment: The c.191dupA pathogenic variant is previously described Founder mutation within the Northern European population (PMID: 21186264).

Centre for Mendelian Genomics, University Medical Centre Ljubljana
Classification: Pathogenic for Achilles tendon contracture; Elevated circulating creatine kinase activity; Lower limb amyotrophy; Lower limb muscle weakness; Polycystic kidney disease. Last evaluated: 2017-01-01. Review status: criteria provided, single submitter. Criteria: ACMG Guidelines, 2015. Collection method: clinical testing. Allele origin: unknown. Affected: yes. Not counted in ClinVar's aggregate classification.

Eurofins Ntd Llc (ga)
Classification: Pathogenic. Last evaluated: 2016-08-08. Review status: criteria provided, single submitter. Criteria: EGL Classification Definitions. Collection method: clinical testing. Allele origin: germline. Observed: 98 variant alleles, 70 heterozygotes, 23 homozygotes. Not counted in ClinVar's aggregate classification.
Comment: The c.191dupA ANO5 variant is a common pathogenic variant in the northern European population.1,2 1. Hicks et al. Brain. 2011 Jan;134(Pt 1):171-82. 2. Sarkozy et al. Hum Mutat. 2013 Aug;34(8):1111-8. AKT 4-29-16

Centre for Mendelian Genomics, University Medical Centre Ljubljana
Classification: Pathogenic for Gnathodiaphyseal dysplasia. Last evaluated: 2016-01-01. Review status: criteria provided, single submitter. Criteria: ACMG Guidelines, 2015. Collection method: clinical testing. Allele origin: unknown. Affected: yes. Not counted in ClinVar's aggregate classification.
Comment: This variant was classified as: Pathogenic. The following ACMG criteria were applied in classifying this variant: PS1,PM3,PM4,PP4,PP3.

Centre for Mendelian Genomics, University Medical Centre Ljubljana
Classification: Pathogenic for Myopathy. Last evaluated: 2015-10-02. Review status: criteria provided, single submitter. Criteria: ACMG Guidelines, 2015. Collection method: clinical testing. Allele origin: unknown. Affected: yes. Not counted in ClinVar's aggregate classification.

Clinical Genetics Service, Universitary Hospital 12 de Octubre
Classification: Pathogenic for Autosomal recessive limb-girdle muscular dystrophy type 2L. Review status: criteria provided, single submitter. Criteria: ACMG Guidelines, 2015. Collection method: clinical testing. Allele origin: germline. Affected: yes. Not counted in ClinVar's aggregate classification.

Clinical Genetics Laboratory, University Hospital Schleswig-Holstein
Classification: Pathogenic for Autosomal recessive limb-girdle muscular dystrophy type 2L; Miyoshi muscular dystrophy 3. Last evaluated: 2024-03-05. Review status: no assertion criteria provided. Collection method: clinical testing. Allele origin: germline. Affected: yes. Not counted in ClinVar's aggregate classification.

Clinical Genetics Laboratory, University Hospital Schleswig-Holstein
Classification: Pathogenic for Autosomal recessive limb-girdle muscular dystrophy type 2L. Last evaluated: 2021-08-23. Review status: no assertion criteria provided. Collection method: clinical testing. Allele origin: germline. Affected: yes. Not counted in ClinVar's aggregate classification.

OMIM
Classification: Pathogenic for MIYOSHI MUSCULAR DYSTROPHY 3. Last evaluated: 2012-03-20. Review status: no assertion criteria provided. Collection method: literature only. Allele origin: germline. Not counted in ClinVar's aggregate classification.

OMIM
Classification: Pathogenic for MUSCULAR DYSTROPHY, LIMB-GIRDLE, AUTOSOMAL RECESSIVE 12. Last evaluated: 2012-03-20. Review status: no assertion criteria provided. Collection method: literature only. Allele origin: germline. Not counted in ClinVar's aggregate classification.

ANO5 @LOVD
No classification provided. Review status: no classification provided. Collection method: not provided. Allele origin: unknown. Not counted in ClinVar's aggregate classification.

Clinical Genetics DNA and cytogenetics Diagnostics Lab, Erasmus MC, Erasmus Medical Center
Classification: Pathogenic. Review status: no assertion criteria provided. Collection method: clinical testing. Allele origin: germline. Affected: yes. Study: VKGL Data-share Consensus. Not counted in ClinVar's aggregate classification.

Clinical Genetics, Academic Medical Center
Classification: Pathogenic. Review status: no assertion criteria provided. Collection method: clinical testing. Allele origin: germline. Affected: yes. Study: VKGL Data-share Consensus. Not counted in ClinVar's aggregate classification.

Genome Diagnostics Laboratory, University Medical Center Utrecht
Classification: Pathogenic. Review status: no assertion criteria provided. Collection method: clinical testing. Allele origin: germline. Affected: yes. Study: VKGL Data-share Consensus. Not counted in ClinVar's aggregate classification.

Laboratory of Diagnostic Genome Analysis, Leiden University Medical Center (LUMC)
Classification: Pathogenic. Review status: no assertion criteria provided. Collection method: clinical testing. Allele origin: germline. Affected: yes. Study: VKGL Data-share Consensus. Not counted in ClinVar's aggregate classification.

Centre de Biologie Pathologie Génétique, Centre Hospitalier Universitaire de Lille
Classification: Likely benign for Intellectual disability. Last evaluated: 2019-01-01. Review status: flagged submission. Collection method: clinical testing. Allele origin: inherited. Affected: yes. Not counted in ClinVar's aggregate classification.
ClinVar note: Reason: Unnecessary conflicting claim for distinct condition when other classifications are more relevant

Literature cited by the submitters: PubMed 20096397 (cited by 10 submitters); PubMed 28187523 (cited by 3 submitters); PubMed 30919934 (cited by OLLIN Analises Genomicas, OLLIN and Labcorp Genetics (formerly Invitae), Labcorp); PubMed 22336395 (cited by 3 submitters); PubMed 22499103 (cited by OLLIN Analises Genomicas, OLLIN and Athena Diagnostics); PubMed 21186264 (cited by 9 submitters); PubMed 23606453 (cited by 6 submitters); PubMed 21739273 (cited by 3 submitters); PubMed 23607914 (cited by 4 submitters); PubMed 25891276 (cited by 6 submitters); PubMed 27708273 (cited by Molecular Genetics, Royal Melbourne Hospital and Athena Diagnostics); PubMed 23041008 (cited by 3billion and Athena Diagnostics); PubMed 22402862 (cited by 5 submitters); PubMed 27911336 (cited by 3billion); PubMed 26886200 (cited by 3billion); PubMed 22980763 (cited by 3billion and Athena Diagnostics); PubMed 9673985 (cited by Women's Health and Genetics/Laboratory Corporation of America, LabCorp and OMIM); PubMed 31353849 (cited by Victorian Clinical Genetics Services, Murdoch Childrens Research Institute); PubMed 32112655 (cited by Victorian Clinical Genetics Services, Murdoch Childrens Research Institute); PubMed 22742934 (cited by Illumina Laboratory Services, Illumina); PubMed 24232312 (cited by Athena Diagnostics); PubMed 22194990 (cited by Athena Diagnostics); PubMed 21820307 (cited by Athena Diagnostics); PubMed 24022920 (cited by Athena Diagnostics); PubMed 24843231 (cited by Athena Diagnostics); PubMed 23757202 (cited by Eurofins Ntd Llc (ga)).